The following is an entry in ClinVar:

NM_004168.4(SDHA):c.1041G>C (p.Met347Ile)

Gene: SDHA (succinate dehydrogenase complex flavoprotein subunit A; plus strand). Cytogenetic location: 5p15.33.
Variant type: single nucleotide variant.
Coding change: c.1041G>C on transcript NM_004168.4 (MANE Select); coding-DNA position 1041, G replaced by C.
Protein change: p.Met347Ile; replaces methionine 347 with isoleucine.
Molecular consequence: missense variant.
Genome position (GRCh38, 1-based): chr5:233,622, G>C. VCF-style: chr5-233622-G-C. GRCh37 (hg19) VCF-style: chr5-233737-G-C.
Other names: c.897G>C, p.Met299Ile (NM_001294332.2); c.1041G>C, p.Met347Ile (NM_001330758.2); short protein forms M299I, M347I.
Identifiers: ClinVar variation 3951328 (VCV003951328.1).

ClinVar aggregate classification (germline): Uncertain significance (1 of 4 stars; one submission).

Conditions:
Hereditary cancer-predisposing syndrome. Also called: Tumor predisposition; Hereditary neoplastic syndrome; Hereditary Cancer Syndrome; Neoplastic Syndromes, Hereditary. Identifiers: Orphanet 140162, MedGen C0027672, MeSH D009386, MONDO:0015356.

Submission:

Ambry Genetics
Classification: Uncertain significance for Hereditary cancer-predisposing syndrome. Last evaluated: 2025-05-18. Review status: criteria provided, single submitter. Criteria: Ambry Variant Classification Scheme 2023. Collection method: clinical testing. Allele origin: germline.
Comment: The p.M347I variant (also known as c.1041G>C), located in coding exon 8 of the SDHA gene, results from a G to C substitution at nucleotide position 1041. The methionine at codon 347 is replaced by isoleucine, an amino acid with highly similar properties. This amino acid position is conserved. In addition, the in silico prediction for this alteration is inconclusive. Based on the available evidence, the clinical significance of this variant remains unclear.